The following is an entry in ClinVar:

NM_000362.5(TIMP3):c.*2122C>G

Genes: SYN3 (synapsin III; minus strand), TIMP3 (TIMP metallopeptidase inhibitor 3; plus strand). Cytogenetic location: 22q12.3.
Variant type: single nucleotide variant.
Coding change: c.*2122C>G on transcript NM_000362.5 (MANE Select); 2122 bases downstream of the stop codon, C replaced by G.
Molecular consequence: 3 prime UTR variant. On other transcripts: intron variant (7).
Genome position (GRCh38, 1-based): chr22:32,861,499, C>G. VCF-style: chr22-32861499-C-G. GRCh37 (hg19) VCF-style: chr22-33257486-C-G.
Other names: c.708+3416G>C (NM_001369909.1, NM_001135774.2, NM_001369910.1); c.711+3416G>C (NM_001369907.1, NM_003490.4, NM_001369908.1 and 1 more transcripts).
Identifiers: ClinVar variation 341382 (VCV000341382.5), dbSNP rs113759053, ClinGen allele CA10654090.

ClinVar aggregate classification (germline): Benign (1 of 4 stars; one submission).

Conditions:
Sorsby fundus dystrophy (SFD). Also called: MACULAR DYSTROPHY, HEMORRHAGIC; Sorsby fundus dystrophy, Lavia type; FUNDUS DYSTROPHY, PSEUDOINFLAMMATORY, OF SORSBY. Identifiers: Orphanet 59181, MedGen C1850938, MONDO:0007640, OMIM 136900.

Allele frequency attached by ClinVar (database versions not stated): 1000 Genomes Project 0.00040; 1000 Genomes Project 30x 0.00094; gnomAD 0.00113; TOPMed 0.00122.

Submission:

Illumina Laboratory Services, Illumina
Classification: Benign for Sorsby fundus dystrophy. Last evaluated: 2018-01-13. Review status: criteria provided, single submitter. Criteria: ICSL Variant Classification Criteria 13 December 2019. Collection method: clinical testing. Allele origin: germline.
Comment: This variant was observed in the ICSL laboratory as part of a predisposition screen in an ostensibly healthy population. It had not been previously curated by ICSL or reported in the Human Gene Mutation Database (HGMD: prior to June 1st, 2018), and was therefore a candidate for classification through an automated scoring system. Utilizing variant allele frequency, disease prevalence and penetrance estimates, and inheritance mode, an automated score was calculated to assess if this variant is too frequent to cause the disease. Based on the score and internal cut-off values, a variant classified as benign is not then subjected to further curation. The score for this variant resulted in a classification of benign for this disease.